The following is an entry in ClinVar:

ClinVar aggregate classification (germline): Uncertain significance (1 of 4 stars; one submission).

gnomAD v4.1: 5 of 1,210,691 alleles (0.00041%); highest among the groups gnomAD compares: Non-Finnish European, 0.00056%; no homozygotes.

Submission:

Women's Health and Genetics/Laboratory Corporation of America, LabCorp
Classification: Uncertain significance. Last evaluated: 2025-10-08. Review status: criteria provided, single submitter. Criteria: LabCorp Variant Classification Summary - May 2015. Collection method: clinical testing. Allele origin: germline.
Comment: Variant summary: L1CAM c.1723C>G (p.Arg575Gly) results in a non-conservative amino acid change in the encoded protein sequence. Algorithms developed to predict the effect of missense changes on protein structure and function are either unavailable or do not agree on the potential impact of this missense change. The variant allele was found at a frequency of 5.5e-06 in 182487 control chromosomes. The available data on variant occurrences in the general population are insufficient to allow any conclusion about variant significance. To our knowledge, no occurrence of c.1723C>G in individuals affected with L1CAM-related conditions and no experimental evidence demonstrating its impact on protein function have been reported. No submitters have cited clinical-significance assessments for this variant to ClinVar. Based on the evidence outlined above, the variant was classified as uncertain significance.

NM_001278116.2(L1CAM):c.1723C>G (p.Arg575Gly)

Gene: L1CAM (L1 cell adhesion molecule; minus strand). Cytogenetic location: Xq28.
Variant type: single nucleotide variant.
Coding change: c.1723C>G on transcript NM_001278116.2 (MANE Select); coding-DNA position 1723, C replaced by G.
Protein change: p.Arg575Gly; replaces arginine 575 with glycine.
Molecular consequence: missense variant.
Genome position (GRCh38, 1-based): chrX:153,868,103, G>C on the plus strand (C>G on the coding strand, the complement: L1CAM is on the minus strand). VCF-style: chrX-153868103-G-C. GRCh37 (hg19) VCF-style: chrX-153133558-G-C.
Other names: c.1723C>G, p.Arg575Gly (NM_000425.5, NM_024003.3); c.1708C>G, p.Arg570Gly (NM_001143963.2); short protein forms R570G, R575G.
Identifiers: ClinVar variation 4687442 (VCV004687442.1).
Genomic context (GRCh38, chrX:153,868,103, plus strand): 5'-TACTGGCCACGCAGCTGTAGTTGCCCTGGTCGCTGTAGTCCAGGCTGTGGATGACCAGGC[G>C]CCCATCCTCTATGAAGTACCTGCGGAGGAGCCGTGTCTGTCTTTCCTGCCATCTGGGCTC-3'
Protein context (NP_001265045.1, residues 565-585): DSDKYFIEDG[Arg575Gly]LVIHSLDYSD